The following is an entry in ClinVar:

ClinVar aggregate classification (germline): Uncertain significance. Review status: criteria provided, multiple submitters, no conflicts (2 of 4 stars). 2 submissions from 2 submitters: Uncertain significance (2). Last evaluated 2024-07-25.

Conditions:
Charcot-Marie-Tooth disease type 2. Also called: Charcot-Marie-Tooth type 2. Identifiers: Orphanet 64746, MedGen C0270914, MONDO:0018993.

Submissions (2):

Labcorp Genetics (formerly Invitae), Labcorp
Classification: Uncertain significance for Charcot-Marie-Tooth disease type 2. Last evaluated: 2024-07-25. Review status: criteria provided, single submitter. Criteria: Invitae Variant Classification Sherloc (09022015). Collection method: clinical testing. Allele origin: germline.
Comment: This sequence change replaces proline, which is neutral and non-polar, with arginine, which is basic and polar, at codon 1605 of the KIF1B protein (p.Pro1605Arg). This variant is not present in population databases (gnomAD no frequency). This variant has not been reported in the literature in individuals affected with KIF1B-related conditions. ClinVar contains an entry for this variant (Variation ID: 1743307). An algorithm developed to predict the effect of missense changes on protein structure and function (PolyPhen-2) suggests that this variant is likely to be disruptive. In summary, the available evidence is currently insufficient to determine the role of this variant in disease. Therefore, it has been classified as a Variant of Uncertain Significance.

Ambry Genetics
Classification: Uncertain significance. Last evaluated: 2024-03-27. Review status: criteria provided, single submitter. Criteria: Ambry Variant Classification Scheme 2023. Collection method: clinical testing. Allele origin: germline.
Comment: The p.P1605R variant (also known as c.4814C>G), located in coding exon 43 of the KIF1B gene, results from a C to G substitution at nucleotide position 4814. The proline at codon 1605 is replaced by arginine, an amino acid with dissimilar properties. This amino acid position is conserved. In addition, the in silico prediction for this alteration is inconclusive. Since supporting evidence is limited at this time, the clinical significance of this alteration remains unclear.

NM_001365951.3(KIF1B):c.4952C>G (p.Pro1651Arg)

Gene: KIF1B (kinesin family member 1B; plus strand). Cytogenetic location: 1p36.22.
Variant type: single nucleotide variant.
Coding change: c.4952C>G on transcript NM_001365951.3 (MANE Select); coding-DNA position 4952, C replaced by G.
Protein change: p.Pro1651Arg; replaces proline 1651 with arginine.
Molecular consequence: missense variant.
Genome position (GRCh38, 1-based): chr1:10,374,321, C>G. VCF-style: chr1-10374321-C-G. GRCh37 (hg19) VCF-style: chr1-10434379-C-G.
Other names: c.4952C>G, p.Pro1651Arg (NM_001365952.1); c.4814C>G, p.Pro1605Arg (NM_015074.3); short protein forms P1651R, P1605R.
Identifiers: ClinVar variation 1743307 (VCV001743307.7), dbSNP rs1557745931, ClinGen allele CA338328550.